The following is an entry in ClinVar:

NM_004984.4(KIF5A):c.558A>C (p.Glu186Asp)

Gene: KIF5A (kinesin family member 5A; plus strand). Cytogenetic location: 12q13.3.
Variant type: single nucleotide variant.
Coding change: c.558A>C on transcript NM_004984.4 (MANE Select); coding-DNA position 558, A replaced by C.
Protein change: p.Glu186Asp; replaces glutamic acid 186 with aspartic acid.
Molecular consequence: missense variant.
Genome position (GRCh38, 1-based): chr12:57,567,182, A>C. VCF-style: chr12-57567182-A-C. GRCh37 (hg19) VCF-style: chr12-57960965-A-C.
Other names: c.291A>C, p.Glu97Asp (NM_001354705.2); short protein forms E186D, E97D.
Identifiers: ClinVar variation 3359449 (VCV003359449.1).

ClinVar aggregate classification (germline): Uncertain significance (1 of 4 stars; one submission).

Submission:

GeneDx
Classification: Uncertain significance. Last evaluated: 2023-06-03. Review status: criteria provided, single submitter. Criteria: GeneDx Variant Classification Process June 2021. Collection method: clinical testing. Allele origin: germline. Affected: yes.
Comment: Not observed at significant frequency in large population cohorts (gnomAD); In silico analysis supports that this missense variant has a deleterious effect on protein structure/function; Has not been previously published as pathogenic or benign to our knowledge